The following is an entry in ClinVar:

NM_000158.4(GBE1):c.43G>T (p.Glu15Ter)

Gene: GBE1 (1,4-alpha-glucan branching enzyme 1; minus strand). Cytogenetic location: 3p12.2.
Variant type: single nucleotide variant.
Coding change: c.43G>T on transcript NM_000158.4 (MANE Select); coding-DNA position 43, G replaced by T.
Protein change: p.Glu15Ter; replaces glutamic acid 15 with a stop codon.
Molecular consequence: nonsense.
Genome position (GRCh38, 1-based): chr3:81,761,475, C>A on the plus strand (G>T on the coding strand, the complement: GBE1 is on the minus strand). VCF-style: chr3-81761475-C-A. GRCh37 (hg19) VCF-style: chr3-81810626-C-A.
Other names: short protein forms E15*.
Identifiers: ClinVar variation 1075597 (VCV001075597.5), dbSNP rs774709930, ClinGen allele CA353687037.

ClinVar aggregate classification (germline): Pathogenic (1 of 4 stars; one submission).

Conditions:
Glycogen storage disease, type IV (GSD4). Also called: Glycogen storage disease due to glycogen branching enzyme deficiency; AMYLOPECTINOSIS; ANDERSEN DISEASE; BRANCHER DEFICIENCY; CIRRHOSIS, FAMILIAL, WITH DEPOSITION OF ABNORMAL GLYCOGEN; GBE1 DEFICIENCY. Identifiers: Orphanet 367, MedGen C0017923, MONDO:0009292, OMIM 232500.
Glycogen storage disease IV, classic hepatic. Also called: GSD IV, CLASSIC HEPATIC. Identifiers: MedGen C1856301.

Submission:

Labcorp Genetics (formerly Invitae), Labcorp
Classification: Pathogenic for Glycogen storage disease, type IV; Glycogen storage disease IV, classic hepatic. Last evaluated: 2022-05-16. Review status: criteria provided, single submitter. Criteria: Invitae Variant Classification Sherloc (09022015). Collection method: clinical testing. Allele origin: germline.
Comment: This sequence change creates a premature translational stop signal (p.Glu15*) in the GBE1 gene. It is expected to result in an absent or disrupted protein product. Loss-of-function variants in GBE1 are known to be pathogenic (PMID: 15452297, 20058079). This variant is not present in population databases (gnomAD no frequency). For these reasons, this variant has been classified as Pathogenic. ClinVar contains an entry for this variant (Variation ID: 1075597). This variant has not been reported in the literature in individuals affected with GBE1-related conditions.

Literature cited by the submitters: PubMed 15452297; PubMed 20058079.